The following is an entry in ClinVar:

NM_014956.5(CEP164):c.3761C>T (p.Pro1254Leu)

Gene: CEP164 (centrosomal protein 164; plus strand). Cytogenetic location: 11q23.3.
Variant type: single nucleotide variant.
Coding change: c.3761C>T on transcript NM_014956.5 (MANE Select); coding-DNA position 3761, C replaced by T.
Protein change: p.Pro1254Leu; replaces proline 1254 with leucine.
Molecular consequence: missense variant.
Genome position (GRCh38, 1-based): chr11:117,409,630, C>T. VCF-style: chr11-117409630-C-T. GRCh37 (hg19) VCF-style: chr11-117280346-C-T.
Other names: c.3761C>T, p.Pro1254Leu (NM_001440950.1, NM_001440951.1); c.3752C>T, p.Pro1251Leu (NM_001440952.1); c.3737C>T, p.Pro1246Leu (NM_001440953.1); c.3683C>T, p.Pro1228Leu (NM_001440954.1, NM_001440955.1); c.3674C>T, p.Pro1225Leu (NM_001440956.1); c.3671C>T, p.Pro1224Leu (NM_001440957.1); c.3659C>T, p.Pro1220Leu (NM_001440958.1, NM_001440959.1); c.3632C>T, p.Pro1211Leu (NM_001440960.1); and 21 more; short protein forms P1109L, P1135L, P1150L, P1197L, P1220L, P1249L, P1251L, P1126L.
Identifiers: ClinVar variation 4613056 (VCV004613056.2).

ClinVar aggregate classification (germline): Uncertain significance. Review status: criteria provided, multiple submitters, no conflicts (2 of 4 stars). 2 submissions from 2 submitters: Uncertain significance (2). Last evaluated 2026-03-17.

Conditions:
CEP164-related disorder. Also called: CEP164-related condition.
Inborn genetic diseases. Identifiers: MedGen C0950123, MeSH D030342.

gnomAD v4.1: 25 of 1,607,822 alleles (0.0016%); highest among the groups gnomAD compares: African/African-American, 0.004%; no homozygotes.

Submissions (2):

PreventionGenetics, part of Exact Sciences
Classification: Uncertain significance for CEP164-related condition. Last evaluated: 2026-03-17. Review status: criteria provided, single submitter. Criteria: ACMG Guidelines, 2015. Collection method: clinical testing. Allele origin: germline.
Comment: The CEP164 c.3761C>T variant is predicted to result in the amino acid substitution p.Pro1254Leu. To our knowledge, this variant has not been reported in the literature. This variant is reported in 0.0080% of alleles in individuals of African descent in gnomAD. At this time, the clinical significance of this variant is uncertain due to the absence of conclusive functional and genetic evidence.

Ambry Genetics
Classification: Uncertain significance for Inborn genetic diseases. Last evaluated: 2025-12-11. Review status: criteria provided, single submitter. Criteria: Ambry Variant Classification Scheme 2023. Collection method: clinical testing. Allele origin: germline.